The following is an entry in ClinVar:

ClinVar aggregate classification (germline): Pathogenic/Likely pathogenic. Review status: criteria provided, multiple submitters, no conflicts (2 of 4 stars). 5 submissions from 5 submitters: Pathogenic (1); Likely pathogenic (3). 1 of the submissions does not count toward it. Last evaluated 2025-02-10.

Conditions:
Wilson disease (WND). Also called: Wilson's disease. Identifiers: Orphanet 905, MedGen C0019202, MONDO:0010200, OMIM 277900. Disease mechanism: loss of function.

Allele frequency attached by ClinVar (database versions not stated): TOPMed below 0.00001; gnomAD 0.00001.

Submissions (5):

Natera, Inc.
Classification: Likely pathogenic for Wilson disease. Last evaluated: 2025-02-10. Review status: criteria provided, single submitter. Criteria: Natera Variant Classification Schema (03/2026). Collection method: clinical testing. Allele origin: germline.
Comment: The c.4150dupT variant in ATP7B is a frameshift variant predicted to shift the reading frame beginning at codon 1384 and leads to a stop codon 2 codons downstream. This variant is expected to result in nonsense mediated decay, truncation, or a dysfunctional protein product. This variant is rare in the general population with a frequency below the threshold expected for the associated phenotype(s). Given the available evidence, this variant is classified as Likely Pathogenic.

Labcorp Genetics (formerly Invitae), Labcorp
Classification: Pathogenic for Wilson disease. Last evaluated: 2024-01-08. Review status: criteria provided, single submitter. Criteria: Invitae Variant Classification Sherloc (09022015). Collection method: clinical testing. Allele origin: germline.
Comment: This sequence change creates a premature translational stop signal (p.Tyr1384Leufs*2) in the ATP7B gene. While this is not anticipated to result in nonsense mediated decay, it is expected to disrupt the last 82 amino acid(s) of the ATP7B protein. This variant is not present in population databases (gnomAD no frequency). This variant has not been reported in the literature in individuals affected with ATP7B-related conditions. ClinVar contains an entry for this variant (Variation ID: 553449). Algorithms developed to predict the effect of sequence changes on RNA splicing suggest that this variant may disrupt the consensus splice site. This variant disrupts a region of the ATP7B protein in which other variant(s) (p.Arg1459Glyfs*2) have been determined to be pathogenic (PMID: 26799313). This suggests that this is a clinically significant region of the protein, and that variants that disrupt it are likely to be disease-causing. For these reasons, this variant has been classified as Pathogenic.

Baylor Genetics
Classification: Likely pathogenic for Wilson disease. Last evaluated: 2023-12-05. Review status: criteria provided, single submitter. Criteria: ACMG Guidelines, 2015. Collection method: clinical testing. Allele origin: unknown.

Women's Health and Genetics/Laboratory Corporation of America, LabCorp
Classification: Likely pathogenic for Wilson disease. Last evaluated: 2021-09-23. Review status: criteria provided, single submitter. Criteria: LabCorp Variant Classification Summary - May 2015. Collection method: clinical testing. Allele origin: germline.
Comment: Variant summary: ATP7B c.4150dupT (p.Tyr1384LeufsX2) results in a premature termination codon, predicted to cause a truncation of the encoded protein or absence of the protein due to nonsense mediated decay, which are commonly known mechanisms for disease. The variant was absent in 247262 control chromosomes (gnomAD). To our knowledge, no occurrence of c.4150dupT in individuals affected with Wilson Disease and no experimental evidence demonstrating its impact on protein function have been reported. One ClinVar submitter (evaluation after 2014) cites the variant as likely pathogenic. Based on the evidence outlined above, the variant was classified as likely pathogenic.

Counsyl
Classification: Likely pathogenic for Wilson disease. Last evaluated: 2017-08-21. Review status: no assertion criteria provided. Collection method: clinical testing. Allele origin: unknown. Not counted in ClinVar's aggregate classification.

Literature cited by the submitters: PubMed 26799313 (cited by Labcorp Genetics (formerly Invitae), Labcorp).

NM_000053.4(ATP7B):c.4150dup (p.Tyr1384fs)

Gene: ATP7B (ATPase copper transporting beta; minus strand). Cytogenetic location: 13q14.3.
Variant type: Duplication.
Coding change: c.4150dup on transcript NM_000053.4 (MANE Select); coding-DNA position 4150, one base duplicated (T; older notation c.4150dupT).
Protein change: p.Tyr1384fs; shifts the reading frame from tyrosine 1384.
Molecular consequence: frameshift variant.
Genome position (GRCh38, 1-based): chr13:51,935,004, A duplicated on the plus strand (T on the coding strand, the reverse complement: ATP7B is on the minus strand). VCF-style (leftmost placement, unchanged base first): chr13-51935003-T-TA. GRCh37 (hg19) VCF-style: chr13-52509139-T-TA.
Other names: c.4150dupT (NM_000053.3); c.3529dup, p.Tyr1177fs (NM_001005918.3); c.3817dup, p.Tyr1273fs (NM_001243182.2); c.3916dup, p.Tyr1306fs (NM_001330578.2); c.3898dup, p.Tyr1300fs (NM_001330579.2); short protein forms Y1177fs, Y1306fs, Y1384fs, Y1273fs, Y1300fs.
Identifiers: ClinVar variation 553449 (VCV000553449.9), dbSNP rs1555282316, ClinGen allele CA658823691.